The following is an entry in ClinVar:

ClinVar aggregate classification (germline): Uncertain significance. Review status: criteria provided, multiple submitters, no conflicts (2 of 4 stars). 2 submissions from 2 submitters: Uncertain significance (2). Last evaluated 2022-04-30.

Conditions:
Diastrophic dysplasia (DTD). Also called: Diastrophic dwarfism. Identifiers: Orphanet 628, MedGen C0220726, MONDO:0009107, OMIM 222600.
Achondrogenesis, type IB (ACG1B). Also called: Achondrogenesis Type 1B. Identifiers: Orphanet 932, Orphanet 93298, MedGen C0265274, MONDO:0010966, OMIM 600972.
Multiple epiphyseal dysplasia type 4 (EDM4). Also called: Multiple Epiphyseal Dysplasia, Recessive; MULTIPLE EPIPHYSEAL DYSPLASIA WITH BILAYERED PATELLAE; MULTIPLE EPIPHYSEAL DYSPLASIA WITH CLUBFOOT; MULTIPLE EPIPHYSEAL DYSPLASIA, AUTOSOMAL RECESSIVE; SLC26A2-Related Multiple Epiphyseal Dysplasia. Identifiers: Orphanet 93307, MedGen C1847593, MONDO:0009189, OMIM 226900.
Atelosteogenesis type II (AO2). Also called: SLC26A2-Related Atelosteogenesis; NEONATAL OSSEOUS DYSPLASIA I; Neonatal osseous dysplasia 1. Identifiers: Orphanet 56304, MedGen C1850554, MONDO:0009727, OMIM 256050.
Connective tissue disorder. Also called: Connective tissue disease. Identifiers: MedGen C0009782, MONDO:0003900.

Allele frequency attached by ClinVar (database versions not stated): gnomAD exomes below 0.00001 and 0.00001; gnomAD 0.00001.
gnomAD v4.1: 18 of 1,613,880 alleles (0.0011%); highest among the groups gnomAD compares: Non-Finnish European, 0.0015%; no homozygotes.

Submissions (2):

Labcorp Genetics (formerly Invitae), Labcorp
Classification: Uncertain significance for Atelosteogenesis type II; Multiple epiphyseal dysplasia type 4; Achondrogenesis, type IB; Diastrophic dysplasia. Last evaluated: 2022-04-30. Review status: criteria provided, single submitter. Criteria: Invitae Variant Classification Sherloc (09022015). Collection method: clinical testing. Allele origin: germline.
Comment: This sequence change replaces glycine, which is neutral and non-polar, with valine, which is neutral and non-polar, at codon 362 of the SLC26A2 protein (p.Gly362Val). This variant is present in population databases (no rsID available, gnomAD 0.0009%). This variant has not been reported in the literature in individuals affected with SLC26A2-related conditions. Advanced modeling of protein sequence and biophysical properties (such as structural, functional, and spatial information, amino acid conservation, physicochemical variation, residue mobility, and thermodynamic stability) performed at Invitae indicates that this missense variant is expected to disrupt SLC26A2 protein function. In summary, the available evidence is currently insufficient to determine the role of this variant in disease. Therefore, it has been classified as a Variant of Uncertain Significance.

Genome Diagnostics Laboratory, The Hospital for Sick Children
Classification: Uncertain significance for Connective tissue disorder. Last evaluated: 2021-03-01. Review status: criteria provided, single submitter. Criteria: ACMG Guidelines, 2015. Collection method: clinical testing. Allele origin: germline.

NM_000112.4(SLC26A2):c.1085G>T (p.Gly362Val)

Gene: SLC26A2 (solute carrier family 26 member 2; plus strand). Cytogenetic location: 5q32.
Variant type: single nucleotide variant.
Coding change: c.1085G>T on transcript NM_000112.4 (MANE Select); coding-DNA position 1085, G replaced by T.
Protein change: p.Gly362Val; replaces glycine 362 with valine.
Molecular consequence: missense variant.
Genome position (GRCh38, 1-based): chr5:149,980,678, G>T. VCF-style: chr5-149980678-G-T. GRCh37 (hg19) VCF-style: chr5-149360241-G-T.
Other names: short protein forms G362V.
Identifiers: ClinVar variation 1702480 (VCV001702480.5), dbSNP rs1215069127, ClinGen allele CA361707119.